The following is an entry in ClinVar:

NM_006218.4(PIK3CA):c.2372_2373del (p.Glu791fs)

Gene: PIK3CA (phosphatidylinositol-4,5-bisphosphate 3-kinase catalytic subunit alpha; plus strand). Cytogenetic location: 3q26.32.
Variant type: Microsatellite.
Coding change: c.2372_2373del on transcript NM_006218.4 (MANE Select); coding-DNA positions 2372 to 2373, 2 bases deleted (AG; older notation c.2372_2373delAG).
Protein change: p.Glu791fs; shifts the reading frame from glutamic acid 791.
Molecular consequence: frameshift variant.
Genome position (GRCh38, 1-based): chr3:179,224,777-179,224,778, AG deleted; deleting any 2 consecutive bases within chr3:179,224,775-179,224,778 gives the same sequence; the c. name uses the placement nearest the transcript's 3' end. VCF-style (leftmost placement, unchanged base first): chr3-179224774-CAG-C. GRCh37 (hg19) VCF-style: chr3-178942562-CAG-C.
Other names: short protein forms E791fs.
Identifiers: ClinVar variation 4886304 (VCV004886304.2).

ClinVar aggregate classification (germline): Uncertain significance (1 of 4 stars; one submission).

Submission:

Dasa
Classification: Uncertain significance. Last evaluated: 2026-03-27. Review status: criteria provided, single submitter. Criteria: DASA Assertion Criteria. Collection method: clinical testing. Allele origin: germline.
Comment: NM_006218.4(PIK3CA):c.2372_2373del (p.Glu791Valfs*7) is a frameshift variant in PIK3CA predicted to alter the reading frame and introduce a premature termination codon. This variant is absent from population databases. The currently available literature and clinical evidence are not sufficient to establish a definitive association between this variant and the reported condition. Therefore, this variant is classified as a variant of uncertain significance.